The following is an entry in ClinVar:

ClinVar aggregate classification (germline): Benign/Likely benign. Review status: criteria provided, multiple submitters, no conflicts (2 of 4 stars). 7 submissions from 7 submitters: Benign (5); Likely benign (1). 1 of the submissions does not count toward it. Last evaluated 2026-02-03.

Conditions:
Hyper-IgE recurrent infection syndrome 4, autosomal recessive. Also called: HYPER-IgE RECURRENT INFECTION SYNDROME 4B, AUTOSOMAL RECESSIVE; HYPER-IgE SYNDROME 4B, AUTOSOMAL RECESSIVE, WITH RECURRENT INFECTIONS. Identifiers: MedGen C5193141, MONDO:0032796, OMIM 618523.
IL6ST-related disorder. Also called: IL6ST-related condition.

Allele frequency attached by ClinVar (database versions not stated): 1000 Genomes Project 0.19629; gnomAD 0.21678 and 0.20682; TOPMed 0.21925; gnomAD exomes 0.12650; ESP Exome Variant Server 0.22209; ExAC 0.13222; 1000 Genomes Project 30x 0.20019.
gnomAD v4.1: 208,684 of 1,599,816 alleles (13%); highest among the groups gnomAD compares: African/African-American, 44%; 18,164 homozygotes.

Submissions (7):

Labcorp Genetics (formerly Invitae), Labcorp
Classification: Benign. Last evaluated: 2026-02-03. Review status: criteria provided, single submitter. Criteria: Invitae Variant Classification Sherloc (09022015). Collection method: clinical testing. Allele origin: germline.

Women's Health and Genetics/Laboratory Corporation of America, LabCorp
Classification: Likely benign. Last evaluated: 2026-01-21. Review status: criteria provided, single submitter. Criteria: LabCorp Variant Classification Summary - May 2015. Collection method: clinical testing. Allele origin: germline.

Unidad de Genómica Garrahan, Hospital de Pediatría Garrahan
Classification: Benign. Last evaluated: 2024-01-24. Review status: criteria provided, single submitter. Criteria: ACMG Guidelines, 2015. Collection method: clinical testing. Allele origin: germline. Affected: no. Observed: 21 variant alleles.
Comment: This variant is classified as Benign based on local population frequency. This variant was detected in 24% of patients studied by a panel of primary immunodeficiencies. Number of patients: 21. Only high quality variants are reported.

Mayo Clinic Laboratories, Mayo Clinic
Classification: Benign. Last evaluated: 2023-06-27. Review status: criteria provided, single submitter. Criteria: ACMG Guidelines, 2015. Collection method: clinical testing. Allele origin: germline. Observed: 30 variant alleles.
Comment: BA1, BP4

Genome-Nilou Lab
Classification: Benign for Hyper-IgE recurrent infection syndrome 4, autosomal recessive. Last evaluated: 2021-05-18. Review status: criteria provided, single submitter. Criteria: ACMG Guidelines, 2015. Collection method: clinical testing. Allele origin: germline. Affected: no.

Breakthrough Genomics
Classification: Benign. Review status: criteria provided, single submitter. Criteria: ACMG Guidelines, 2015. Collection method: not provided. Allele origin: germline. Inheritance: Autosomal recessive inheritance. Affected: yes.

PreventionGenetics, part of Exact Sciences
Classification: Benign for IL6ST-related condition. Last evaluated: 2019-11-05. Review status: no assertion criteria provided. Collection method: clinical testing. Allele origin: germline. Not counted in ClinVar's aggregate classification.
Comment: This variant is classified as benign based on ACMG/AMP sequence variant interpretation guidelines (Richards et al. 2015 PMID: 25741868, with internal and published modifications).

NM_002184.4(IL6ST):c.442G>C (p.Gly148Arg)

Gene: IL6ST (interleukin 6 cytokine family signal transducer; minus strand). Cytogenetic location: 5q11.2.
Variant type: single nucleotide variant.
Coding change: c.442G>C on transcript NM_002184.4 (MANE Select); coding-DNA position 442, G replaced by C.
Protein change: p.Gly148Arg; replaces glycine 148 with arginine.
Molecular consequence: missense variant. On other transcripts: non-coding transcript variant (2), intron variant (3).
Genome position (GRCh38, 1-based): chr5:55,968,325, C>G on the plus strand (G>C on the coding strand, the complement: IL6ST is on the minus strand). VCF-style: chr5-55968325-C-G. GRCh37 (hg19) VCF-style: chr5-55264153-C-G.
Other names: p.Gly148Arg; c.442G>C (NM_002184.3); c.442G>C, p.Gly148Arg (NM_001190981.2, NM_001364275.2, NM_175767.3); c.232G>C, p.Gly78Arg (NM_001364276.2); c.-423+1225G>C (NM_001364279.2, NM_001364277.2); c.-413+1225G>C (NM_001364278.2); short protein forms G148R, G78R.
Identifiers: ClinVar variation 1098855 (VCV001098855.18), dbSNP rs2228044, ClinGen allele CA3271704.